The following is an entry in ClinVar:

NM_002582.4(PARN):c.1193G>T (p.Gly398Val)

Gene: PARN (poly(A)-specific ribonuclease; minus strand). Cytogenetic location: 16p13.12.
Variant type: single nucleotide variant.
Coding change: c.1193G>T on transcript NM_002582.4 (MANE Select); coding-DNA position 1193, G replaced by T.
Protein change: p.Gly398Val; replaces glycine 398 with valine.
Molecular consequence: missense variant.
Genome position (GRCh38, 1-based): chr16:14,580,943, C>A on the plus strand (G>T on the coding strand, the complement: PARN is on the minus strand). VCF-style: chr16-14580943-C-A. GRCh37 (hg19) VCF-style: chr16-14674800-C-A.
Other names: c.1010G>T, p.Gly337Val (NM_001134477.3); c.1055G>T, p.Gly352Val (NM_001242992.2); short protein forms G398V, G337V, G352V.
Identifiers: ClinVar variation 1464516 (VCV001464516.8), dbSNP rs1447922914, ClinGen allele CA394822152.
Genomic context (GRCh38, chr16:14,580,943, plus strand): 5'-AAAGGTTCAATGAGTTTTGATCTGGCAGACACATGAATTTTTGGAGGGCTGAGAAAAGAA[C>A]CTAATGAAGAAAAGAAGAGAGGTATTATTATTCATAGTCACATAGACCAAGCCTGAAAGT-3'
Protein context (NP_002573.1, residues 388-408): LCFISMANYL[Gly398Val]SFLSPPKIHV

ClinVar aggregate classification (germline): Uncertain significance (1 of 4 stars; one submission).

Conditions:
Dyskeratosis congenita, autosomal recessive 6 (DKCB6). Identifiers: MedGen C4225356, MONDO:0014600, OMIM 616353.
Pulmonary fibrosis and/or bone marrow failure, Telomere-related, 4. Also called: PULMONARY FIBROSIS AND/OR BONE MARROW FAILURE SYNDROME, TELOMERE-RELATED, 4. Identifiers: Orphanet 2032, MedGen C4225347, MONDO:0014612, OMIM 616371.

Allele frequency attached by ClinVar (database versions not stated): TOPMed below 0.00001.

Submission:

Labcorp Genetics (formerly Invitae), Labcorp
Classification: Uncertain significance for Dyskeratosis congenita, autosomal recessive 6; Pulmonary fibrosis and/or bone marrow failure, Telomere-related, 4. Last evaluated: 2025-06-09. Review status: criteria provided, single submitter. Criteria: Invitae Variant Classification Sherloc (09022015). Collection method: clinical testing. Allele origin: germline.
Comment: This sequence change replaces glycine, which is neutral and non-polar, with valine, which is neutral and non-polar, at codon 398 of the PARN protein (p.Gly398Val). This variant is not present in population databases (gnomAD no frequency). This variant has not been reported in the literature in individuals affected with PARN-related conditions. ClinVar contains an entry for this variant (Variation ID: 1464516). An algorithm developed to predict the effect of missense changes on protein structure and function (PolyPhen-2) suggests that this variant is likely to be disruptive. In summary, the available evidence is currently insufficient to determine the role of this variant in disease. Therefore, it has been classified as a Variant of Uncertain Significance.